The following is an entry in ClinVar:

ClinVar aggregate classification (germline): Uncertain significance (1 of 4 stars; one submission).

gnomAD v4.1: 5 of 1,613,858 alleles (0.00031%); highest among the groups gnomAD compares: African/African-American, 0.0013%; no homozygotes.

Submission:

Labcorp Genetics (formerly Invitae), Labcorp
Classification: Uncertain significance. Last evaluated: 2022-10-25. Review status: criteria provided, single submitter. Criteria: Invitae Variant Classification Sherloc (09022015). Collection method: clinical testing. Allele origin: germline.
Comment: This sequence change replaces asparagine, which is neutral and polar, with serine, which is neutral and polar, at codon 88 of the GNB3 protein (p.Asn88Ser). This variant is not present in population databases (gnomAD no frequency). This variant has not been reported in the literature in individuals affected with GNB3-related conditions. Advanced modeling of protein sequence and biophysical properties (such as structural, functional, and spatial information, amino acid conservation, physicochemical variation, residue mobility, and thermodynamic stability) performed at Invitae indicates that this missense variant is not expected to disrupt GNB3 protein function. In summary, the available evidence is currently insufficient to determine the role of this variant in disease. Therefore, it has been classified as a Variant of Uncertain Significance.

NM_002075.4(GNB3):c.263A>G (p.Asn88Ser)

Gene: GNB3 (G protein subunit beta 3; plus strand). Cytogenetic location: 12p13.31.
Variant type: single nucleotide variant.
Coding change: c.263A>G on transcript NM_002075.4 (MANE Select); coding-DNA position 263, A replaced by G.
Protein change: p.Asn88Ser; replaces asparagine 88 with serine.
Molecular consequence: missense variant.
Genome position (GRCh38, 1-based): chr12:6,843,233, A>G. VCF-style: chr12-6843233-A-G. GRCh37 (hg19) VCF-style: chr12-6952397-A-G.
Other names: c.263A>G, p.Asn88Ser (NM_001297571.2); short protein forms N88S.
Identifiers: ClinVar variation 1713950 (VCV001713950.6), dbSNP rs201467320, ClinGen allele CA383672147.
Genomic context (GRCh38, chr12:6,843,233, plus strand): 5'-GGCTGCTGGTAAGTGCCTCGCAAGATGGGAAGCTGATCGTGTGGGACAGCTACACCACCA[A>G]CAAGGTACCAGCCCTGCCTCCCTGAGCCTCCACCACTGCATCCTTCCTAAGGGCGCCATG-3'
Protein context (NP_002066.1, residues 78-98): KLIVWDSYTT[Asn88Ser]KVHAIPLRSS